The following is an entry in ClinVar:

ClinVar aggregate classification (germline): Likely benign. Review status: criteria provided, multiple submitters, no conflicts (2 of 4 stars). 3 submissions from 3 submitters: Likely benign (3). Last evaluated 2025-11-26.

Conditions:
TMC1-related disorder. Also called: TMC1-related condition; TMC1-related disorders.

Allele frequency attached by ClinVar (database versions not stated): ExAC 0.00002; gnomAD exomes 0.00003; TOPMed 0.00004; ESP Exome Variant Server 0.00008; gnomAD 0.00013.
gnomAD v4.1: 56 of 1,611,264 alleles (0.0035%); highest among the groups gnomAD compares: Middle Eastern, 0.15%; 1 homozygote.

Submissions (3):

PreventionGenetics, part of Exact Sciences
Classification: Likely benign for TMC1-related condition. Last evaluated: 2025-11-26. Review status: criteria provided, single submitter. Criteria: ACMG Guidelines, 2015. Collection method: clinical testing. Allele origin: germline.
Comment: This variant is classified as likely benign based on ACMG/AMP sequence variant interpretation guidelines (Richards et al. 2015 PMID: 25741868, with internal and published modifications).

Labcorp Genetics (formerly Invitae), Labcorp
Classification: Likely benign. Last evaluated: 2024-02-13. Review status: criteria provided, single submitter. Criteria: Invitae Variant Classification Sherloc (09022015). Collection method: clinical testing. Allele origin: germline.

Laboratory for Molecular Medicine, Mass General Brigham Personalized Medicine
Classification: Likely benign. Last evaluated: 2013-05-24. Review status: criteria provided, single submitter. Criteria: LMM Criteria. Collection method: clinical testing. Allele origin: germline. Observed: 2 variant alleles.
Comment: 1225-8C>T in intron 15 of TMC1: This variant is not expected to have clinical si gnificance because it is not located within the conserved region of splice conse nsus, and computational tools do not predict that the variant will alter splicin g. This variant has also been seen in 0.01% (1/8600) of European American chromo somes in a broad population by the NHLBI Exome Sequencing Project (.).

NM_138691.3(TMC1):c.1225-8C>T

Gene: TMC1 (transmembrane channel like 1; plus strand). Cytogenetic location: 9q21.13.
Variant type: single nucleotide variant.
Coding change: c.1225-8C>T on transcript NM_138691.3 (MANE Select); 8 bases into the intron before coding-DNA position 1225, C replaced by T.
Molecular consequence: intron variant.
Genome position (GRCh38, 1-based): chr9:72,791,878, C>T. VCF-style: chr9-72791878-C-T. GRCh37 (hg19) VCF-style: chr9-75406794-C-T.
Identifiers: ClinVar variation 165433 (VCV000165433.10), dbSNP rs375785074, ClinGen allele CA178207.